The following is an entry in ClinVar:

NM_000037.4(ANK1):c.2942C>T (p.Thr981Met)

Gene: ANK1 (ankyrin 1; minus strand). Cytogenetic location: 8p11.21.
Variant type: single nucleotide variant.
Coding change: c.2942C>T on transcript NM_000037.4 (MANE Select); coding-DNA position 2942, C replaced by T.
Protein change: p.Thr981Met; replaces threonine 981 with methionine.
Molecular consequence: missense variant.
Genome position (GRCh38, 1-based): chr8:41,696,381, G>A on the plus strand (C>T on the coding strand, the complement: ANK1 is on the minus strand). VCF-style: chr8-41696381-G-A. GRCh37 (hg19) VCF-style: chr8-41553899-G-A.
Other names: c.3065C>T, p.Thr1022Met (NM_001142446.2); c.2942C>T, p.Thr981Met (NM_020475.3, NM_020476.3, NM_020477.3); short protein forms T1022M, T981M.
Identifiers: ClinVar variation 3355974 (VCV003355974.1).
Genomic context (GRCh38, chr8:41,696,381, plus strand): 5'-CACAGGGACAGGGGAGAACACGGGCTGCCCGCGCAAGCTCACCTCAGGAACTGTGCCCCC[G>A]TGGGCCCCAGTGCTATGATCCTGCTGGCCAGGCCCTCCTCCTCGGCCAGTGGGGGCGGCG-3'
Protein context (NP_000028.3, residues 971-991): LASRIIALGP[Thr981Met]GAQFLSPVIV

ClinVar aggregate classification (germline): Uncertain significance (0 of 4 stars; one submission).

Conditions:
ANK1-related disorder. Also called: ANK1-related condition.

gnomAD v4.1: 117 of 1,613,188 alleles (0.0073%); highest among the groups gnomAD compares: South Asian, 0.02%; no homozygotes.

Submission:

PreventionGenetics, part of Exact Sciences
Classification: Uncertain significance for ANK1-related condition. Last evaluated: 2024-04-12. Review status: no assertion criteria provided. Collection method: clinical testing. Allele origin: germline.
Comment: The ANK1 c.2942C>T variant is predicted to result in the amino acid substitution p.Thr981Met. To our knowledge, this variant has not been reported in the literature. This variant is reported in 0.036% of alleles in individuals of South Asian descent in gnomAD. At this time, the clinical significance of this variant is uncertain due to the absence of conclusive functional and genetic evidence.